The following is an entry in ClinVar:

ClinVar aggregate classification (germline): Uncertain significance. Review status: criteria provided, multiple submitters, no conflicts (2 of 4 stars). 2 submissions from 2 submitters: Uncertain significance (2). Last evaluated 2026-06-27.

Conditions:
SEMA3C-related disorder. Also called: SEMA3C-related condition.

Submissions (2):

PreventionGenetics, part of Exact Sciences
Classification: Uncertain significance for SEMA3C-related condition. Last evaluated: 2026-06-27. Review status: criteria provided, single submitter. Criteria: ACMG Guidelines, 2015. Collection method: clinical testing. Allele origin: germline.
Comment: The SEMA3C c.2202T>G variant is predicted to result in the amino acid substitution p.His734Gln. To our knowledge, this variant has not been reported in the literature. This variant is reported in 0.020% of alleles in individuals of South Asian descent in gnomAD. At this time, the clinical significance of this variant is uncertain due to the absence of conclusive functional and genetic evidence.

Ambry Genetics
Classification: Uncertain significance. Last evaluated: 2025-03-05. Review status: criteria provided, single submitter. Criteria: Ambry Variant Classification Scheme 2023. Collection method: clinical testing. Allele origin: germline.

NM_006379.5(SEMA3C):c.2148T>G (p.His716Gln)

Gene: SEMA3C (semaphorin 3C; minus strand). Cytogenetic location: 7q21.11.
Variant type: single nucleotide variant.
Coding change: c.2148T>G on transcript NM_006379.5 (MANE Select); coding-DNA position 2148, T replaced by G.
Protein change: p.His716Gln; replaces histidine 716 with glutamine.
Molecular consequence: missense variant.
Genome position (GRCh38, 1-based): chr7:80,745,002, A>C on the plus strand (T>G on the coding strand, the complement: SEMA3C is on the minus strand). VCF-style: chr7-80745002-A-C. GRCh37 (hg19) VCF-style: chr7-80374318-A-C.
Other names: c.2202T>G (NM_001350120.1); c.2202T>G, p.His734Gln (NM_001350120.2); c.1974T>G, p.His658Gln (NM_001350121.2); short protein forms H716Q, H734Q, H658Q.
Identifiers: ClinVar variation 3794038 (VCV003794038.2).